The following is an entry in ClinVar:

ClinVar aggregate classification (germline): Uncertain significance (1 of 4 stars; one submission).

Conditions:
Inborn genetic diseases. Identifiers: MedGen C0950123, MeSH D030342.

Submission:

Ambry Genetics
Classification: Uncertain significance for Inborn genetic diseases. Last evaluated: 2025-07-31. Review status: criteria provided, single submitter. Criteria: Ambry Variant Classification Scheme 2023. Collection method: clinical testing. Allele origin: germline.
Comment: The p.A103E variant (also known as c.308C>A), located in coding exon 1 of the WT1 gene, results from a C to A substitution at nucleotide position 308. The alanine at codon 103 is replaced by glutamic acid, an amino acid with dissimilar properties. This amino acid position is conserved. In addition, this alteration is predicted to be tolerated by in silico analysis. Based on the available evidence, the clinical significance of this variant remains unclear.

NM_024426.6(WT1):c.323C>A (p.Ala108Glu)

Genes: WT1 (WT1 transcription factor; minus strand), LOC107982234 (WT1/WT1-AS bi-directional promoter region; plus strand). Cytogenetic location: 11p13.
Variant type: single nucleotide variant.
Coding change: c.323C>A on transcript NM_024426.6 (MANE Select); coding-DNA position 323, C replaced by A.
Protein change: p.Ala108Glu; replaces alanine 108 with glutamic acid.
Molecular consequence: missense variant. On other transcripts: non-coding transcript variant (2).
Genome position (GRCh38, 1-based): chr11:32,435,038, G>T on the plus strand (C>A on the coding strand, the complement: WT1 is on the minus strand). VCF-style: chr11-32435038-G-T. GRCh37 (hg19) VCF-style: chr11-32456584-G-T.
Other names: c.323C>A, p.Ala108Glu (NM_001407045.1, NM_001407046.1, NM_001407047.1 and 6 more transcripts); c.104C>A, p.Ala35Glu (NM_001429031.1, NM_001429032.1, NM_001429033.1 and 1 more transcripts); short protein forms A108E, A103E, A35E.
Identifiers: ClinVar variation 4202229 (VCV004202229.1).